The following is an entry in ClinVar:

ClinVar aggregate classification (germline): Likely pathogenic (1 of 4 stars; one submission).

Conditions:
Lysosomal acid lipase deficiency. Also called: Acid cholesteryl ester hydrolase deficiency, type 2. Identifiers: Orphanet 275761, MedGen C5574740, MONDO:0800449, MONDO:0010204.

Submission:

Victorian Clinical Genetics Services, Murdoch Childrens Research Institute
Classification: Likely pathogenic for Cholesteryl ester storage disease. Last evaluated: 2020-07-22. Review status: criteria provided, single submitter. Criteria: ACMG Guidelines, 2015. Collection method: clinical testing. Allele origin: paternal. Affected: yes.
Comment: 0102 - Loss of function is a known mechanism of disease in this gene and is associated with LAL-D. (I) 0106 - This gene is associated with autosomal recessive disease. (I) 0200 - Variant is predicted to result in a missense amino acid change from glutamine to proline. (I) 0252 - This variant is homozygous. (I) 0301 - Variant is absent from gnomAD (both v2 and v3). (SP) 0502 - Missense variant with conflicting <i>in silico</i> predictions, but very high conservation. (I) 0601 - Variant is located in the well-established functional abhydrolase 1 domain, adjacent to the active site (p.Ser174) (PDB, UniProt, PMID: 31180157). (SP) 0705 - No comparable missense variants have previous evidence for pathogenicity. (I) 0807 - This variant has no previous evidence of pathogenicity. (I) 0905 - No published segregation evidence has been identified for this variant. (I) 1007 - No published functional evidence has been identified for this variant. (I) 1101 - Very strong and specific phenotype match for this individual. Further inspection of the data suggests paternal isodisomy of chromosome 10. (I) Legend: (SP) - Supporting pathogenic, (I) - Information, (SB) - Supporting benign

NM_000235.4(LIPA):c.524A>C (p.Gln175Pro)

Gene: LIPA (lipase A, lysosomal acid type; minus strand). Cytogenetic location: 10q23.31.
Variant type: single nucleotide variant.
Coding change: c.524A>C on transcript NM_000235.4 (MANE Select); coding-DNA position 524, A replaced by C.
Protein change: p.Gln175Pro; replaces glutamine 175 with proline.
Molecular consequence: missense variant.
Genome position (GRCh38, 1-based): chr10:89,226,909, T>G on the plus strand (A>C on the coding strand, the complement: LIPA is on the minus strand). VCF-style: chr10-89226909-T-G. GRCh37 (hg19) VCF-style: chr10-90986666-T-G.
Other names: c.524A>C, p.Gln175Pro (NM_001127605.3); c.176A>C, p.Gln59Pro (NM_001288979.2); short protein forms Q175P, Q59P.
Identifiers: ClinVar variation 2500772 (VCV002500772.1), dbSNP rs2495590849, ClinGen allele CA377517483.